The following is an entry in ClinVar:

ClinVar aggregate classification (germline): Likely benign (0 of 4 stars; one submission).

Conditions:
ASMT-related disorder. Also called: ASMT-related condition.

Allele frequency attached by ClinVar (database versions not stated): 1000 Genomes Project 0.00026; 1000 Genomes Project 30x 0.00042.
gnomAD v4.1: 39 of 359,972 alleles (0.011%); highest among the groups gnomAD compares: Non-Finnish European, 0.017%; no homozygotes.

Submission:

PreventionGenetics, part of Exact Sciences
Classification: Likely benign for ASMT-related condition. Last evaluated: 2021-08-10. Review status: no assertion criteria provided. Collection method: clinical testing. Allele origin: germline.
Comment: This variant is classified as likely benign based on ACMG/AMP sequence variant interpretation guidelines (Richards et al. 2015 PMID: 25741868, with internal and published modifications).

NM_001171038.2(ASMT):c.630C>G (p.Arg210=)

Gene: ASMT (acetylserotonin O-methyltransferase; plus strand). Cytogenetic location: Yp11.2.
Variant type: single nucleotide variant.
Coding change: c.630C>G on transcript NM_001171038.2 (MANE Select); coding-DNA position 630, C replaced by G.
Protein change: p.Arg210=; no amino-acid change (arginine 210 retained).
Molecular consequence: synonymous variant. On other transcripts: intron variant (2).
Genome position (GRCh38, 1-based): chrX:1,632,771, C>G. VCF-style: chrX-1632771-C-G. GRCh37 (hg19) VCF-style: chrX-1751664-C-G.
Other names: NM_004043.2:c.630C>G; c.563-379C>G (NM_001416525.1); c.562+2832C>G (NM_001171039.1).
Identifiers: ClinVar variation 3060990 (VCV003060990.2), dbSNP rs758073107, ClinGen allele CA325968680.